The following is an entry in ClinVar:

NM_020987.5(ANK3):c.11866T>C (p.Ser3956Pro)

Gene: ANK3 (ankyrin 3; minus strand). Cytogenetic location: 10q21.2.
Variant type: single nucleotide variant.
Coding change: c.11866T>C on transcript NM_020987.5 (MANE Select); coding-DNA position 11866, T replaced by C.
Protein change: p.Ser3956Pro; replaces serine 3956 with proline.
Molecular consequence: missense variant. On other transcripts: intron variant (4).
Genome position (GRCh38, 1-based): chr10:60,069,015, A>G on the plus strand (T>C on the coding strand, the complement: ANK3 is on the minus strand). VCF-style: chr10-60069015-A-G. GRCh37 (hg19) VCF-style: chr10-61828773-A-G.
Other names: c.4388-1006T>C (NM_001204403.2); c.4409-1006T>C (NM_001204404.2); c.4406-1006T>C (NM_001320874.2); c.1808-1006T>C (NM_001149.4); short protein forms S3956P.
Identifiers: ClinVar variation 3777580 (VCV003777580.1).

ClinVar aggregate classification (germline): Uncertain significance (1 of 4 stars; one submission).

Submission:

GeneDx
Classification: Uncertain significance. Last evaluated: 2024-10-10. Review status: criteria provided, single submitter. Criteria: GeneDx Variant Classification Process June 2021. Collection method: clinical testing. Allele origin: germline. Affected: yes.
Comment: Not observed at significant frequency in large population cohorts (gnomAD); In silico analysis indicates that this missense variant does not alter protein structure/function; Has not been previously published as pathogenic or benign to our knowledge